The following is an entry in ClinVar:

NM_181458.4(PAX3):c.924G>A (p.Ser308=)

Gene: PAX3 (paired box 3; minus strand). Cytogenetic location: 2q36.1.
Variant type: single nucleotide variant.
Coding change: c.924G>A on transcript NM_181458.4 (MANE Select); coding-DNA position 924, G replaced by A.
Protein change: p.Ser308=; no amino-acid change (serine 308 retained).
Molecular consequence: synonymous variant.
Genome position (GRCh38, 1-based): chr2:222,221,256, C>T on the plus strand (G>A on the coding strand, the complement: PAX3 is on the minus strand). VCF-style: chr2-222221256-C-T. GRCh37 (hg19) VCF-style: chr2-223085975-C-T.
Other names: c.921G>A, p.Ser307= (NM_001127366.3); c.924G>A, p.Ser308= (NM_181457.4, NM_181459.4, NM_181460.4 and 1 more transcripts).
Identifiers: ClinVar variation 739321 (VCV000739321.14), dbSNP rs199952493, ClinGen allele CA2135548.

ClinVar aggregate classification (germline): Likely benign. Review status: criteria provided, multiple submitters, no conflicts (2 of 4 stars). 4 submissions from 4 submitters: Likely benign (3). 1 of the submissions does not count toward it. Last evaluated 2025-11-20.

Conditions:
PAX3-related disorder. Also called: PAX3-related condition.

Allele frequency attached by ClinVar (database versions not stated): TOPMed 0.00004; gnomAD 0.00010; 1000 Genomes Project 30x 0.00047; 1000 Genomes Project 0.00060.
gnomAD v4.1: 92 of 1,613,944 alleles (0.0057%); highest among the groups gnomAD compares: East Asian, 0.049%; no homozygotes.

Submissions (4):

Labcorp Genetics (formerly Invitae), Labcorp
Classification: Likely benign. Last evaluated: 2025-11-20. Review status: criteria provided, single submitter. Criteria: Invitae Variant Classification Sherloc (09022015). Collection method: clinical testing. Allele origin: germline.

Blueprint Genetics
Classification: Likely benign. Last evaluated: 2024-11-18. Review status: criteria provided, single submitter. Criteria: ACMG Guidelines, 2015. Collection method: clinical testing. Allele origin: germline.

GeneDx
Classification: Likely benign. Last evaluated: 2020-05-11. Review status: criteria provided, single submitter. Criteria: GeneDx Variant Classification Process June 2021. Collection method: clinical testing. Allele origin: germline. Affected: yes.

PreventionGenetics, part of Exact Sciences
Classification: Likely benign for PAX3-related condition. Last evaluated: 2019-08-20. Review status: no assertion criteria provided. Collection method: clinical testing. Allele origin: germline. Not counted in ClinVar's aggregate classification.
Comment: This variant is classified as likely benign based on ACMG/AMP sequence variant interpretation guidelines (Richards et al. 2015 PMID: 25741868, with internal and published modifications).